The following is an entry in ClinVar:

NM_003327.4(TNFRSF4):c.371-3C>T

Gene: TNFRSF4 (TNF receptor superfamily member 4; minus strand). Cytogenetic location: 1p36.33.
Variant type: single nucleotide variant.
Coding change: c.371-3C>T on transcript NM_003327.4 (MANE Select); 3 bases into the intron before coding-DNA position 371, C replaced by T.
Molecular consequence: intron variant.
Genome position (GRCh38, 1-based): chr1:1,212,707, G>A on the plus strand (C>T on the coding strand, the complement: TNFRSF4 is on the minus strand). VCF-style: chr1-1212707-G-A. GRCh37 (hg19) VCF-style: chr1-1148087-G-A.
Identifiers: ClinVar variation 1508362 (VCV001508362.6), dbSNP rs2100953066, ClinGen allele CA2573130797.

ClinVar aggregate classification (germline): Uncertain significance (1 of 4 stars; one submission).

Conditions:
Combined immunodeficiency due to OX40 deficiency. Also called: Immunodeficiency 16; OX40 DEFICIENCY. Identifiers: Orphanet 431149, MedGen C3810053, MONDO:0014268, OMIM 615593.

Submission:

Labcorp Genetics (formerly Invitae), Labcorp
Classification: Uncertain significance for Combined immunodeficiency due to OX40 deficiency. Last evaluated: 2022-07-06. Review status: criteria provided, single submitter. Criteria: Invitae Variant Classification Sherloc (09022015). Collection method: clinical testing. Allele origin: germline.
Comment: This variant is not present in population databases (gnomAD no frequency). This variant has not been reported in the literature in individuals affected with TNFRSF4-related conditions. ClinVar contains an entry for this variant (Variation ID: 1508362). This sequence change falls in intron 3 of the TNFRSF4 gene. It does not directly change the encoded amino acid sequence of the TNFRSF4 protein. It affects a nucleotide within the consensus splice site. Variants that disrupt the consensus splice site are a relatively common cause of aberrant splicing (PMID: 17576681, 9536098). Algorithms developed to predict the effect of sequence changes on RNA splicing suggest that this variant is not likely to affect RNA splicing. In summary, the available evidence is currently insufficient to determine the role of this variant in disease. Therefore, it has been classified as a Variant of Uncertain Significance.

Literature cited by the submitters: PubMed 17576681; PubMed 9536098.